The following is an entry in ClinVar:

ClinVar aggregate classification (germline): Uncertain significance (1 of 4 stars; one submission).

gnomAD v4.1: 1 of 1,613,940 alleles (0.000062%); no homozygotes.

Submission:

Labcorp Genetics (formerly Invitae), Labcorp
Classification: Uncertain significance. Last evaluated: 2022-09-27. Review status: criteria provided, single submitter. Criteria: Invitae Variant Classification Sherloc (09022015). Collection method: clinical testing. Allele origin: germline.
Comment: This sequence change replaces isoleucine, which is neutral and non-polar, with valine, which is neutral and non-polar, at codon 2268 of the DNAH9 protein (p.Ile2268Val). This variant is not present in population databases (gnomAD no frequency). This variant has not been reported in the literature in individuals affected with DNAH9-related conditions. ClinVar contains an entry for this variant (Variation ID: 1440166). Advanced modeling of protein sequence and biophysical properties (such as structural, functional, and spatial information, amino acid conservation, physicochemical variation, residue mobility, and thermodynamic stability) performed at Invitae indicates that this missense variant is not expected to disrupt DNAH9 protein function. Algorithms developed to predict the effect of sequence changes on RNA splicing suggest that this variant may create or strengthen a splice site. In summary, the available evidence is currently insufficient to determine the role of this variant in disease. Therefore, it has been classified as a Variant of Uncertain Significance.

NM_001372.4(DNAH9):c.6802A>G (p.Ile2268Val)

Gene: DNAH9 (dynein axonemal heavy chain 9; plus strand). Cytogenetic location: 17p12.
Variant type: single nucleotide variant.
Coding change: c.6802A>G on transcript NM_001372.4 (MANE Select); coding-DNA position 6802, A replaced by G.
Protein change: p.Ile2268Val; replaces isoleucine 2268 with valine.
Molecular consequence: missense variant.
Genome position (GRCh38, 1-based): chr17:11,756,631, A>G. VCF-style: chr17-11756631-A-G. GRCh37 (hg19) VCF-style: chr17-11659948-A-G.
Other names: short protein forms I2268V.
Identifiers: ClinVar variation 1440166 (VCV001440166.6), dbSNP rs2150858415, ClinGen allele CA398195364.